The following is an entry in ClinVar:

ClinVar aggregate classification (germline): Uncertain significance. Review status: criteria provided, multiple submitters, no conflicts (2 of 4 stars). 2 submissions from 2 submitters: Uncertain significance (2). Last evaluated 2022-06-29.

Conditions:
Alstrom syndrome (ALMS). Identifiers: Orphanet 64, MedGen C0268425, MONDO:0008763, OMIM 203800.
Cardiovascular phenotype. Identifiers: MedGen CN230736.

Allele frequency attached by ClinVar (database versions not stated): gnomAD 0.00001; gnomAD exomes 0.00001; TOPMed 0.00002.
gnomAD v4.1: 11 of 1,613,972 alleles (0.00068%); highest among the groups gnomAD compares: Non-Finnish European, 0.00093%; no homozygotes.

Submissions (2):

Labcorp Genetics (formerly Invitae), Labcorp
Classification: Uncertain significance for Alstrom syndrome. Last evaluated: 2022-06-29. Review status: criteria provided, single submitter. Criteria: Invitae Variant Classification Sherloc (09022015). Collection method: clinical testing. Allele origin: germline.
Comment: This sequence change replaces glutamine, which is neutral and polar, with arginine, which is basic and polar, at codon 1908 of the ALMS1 protein (p.Gln1908Arg). This variant is not present in population databases (gnomAD no frequency). This variant has not been reported in the literature in individuals affected with ALMS1-related conditions. Experimental studies and prediction algorithms are not available or were not evaluated, and the functional significance of this variant is currently unknown. In summary, the available evidence is currently insufficient to determine the role of this variant in disease. Therefore, it has been classified as a Variant of Uncertain Significance.

Ambry Genetics
Classification: Uncertain significance for Cardiovascular phenotype. Last evaluated: 2019-11-19. Review status: criteria provided, single submitter. Criteria: Ambry Variant Classification Scheme 2023. Collection method: clinical testing. Allele origin: germline.
Comment: The p.Q1908R variant (also known as c.5723A>G), located in coding exon 8 of the ALMS1 gene, results from an A to G substitution at nucleotide position 5723. The glutamine at codon 1908 is replaced by arginine, an amino acid with highly similar properties. This amino acid position is well conserved in available vertebrate species. In addition, this alteration is predicted to be tolerated by in silico analysis. Since supporting evidence is limited at this time, the clinical significance of this alteration remains unclear.

NM_001378454.1(ALMS1):c.5720A>G (p.Gln1907Arg)

Gene: ALMS1 (ALMS1 centrosome and basal body associated protein; plus strand). Cytogenetic location: 2p13.1.
Variant type: single nucleotide variant.
Coding change: c.5720A>G on transcript NM_001378454.1 (MANE Select); coding-DNA position 5720, A replaced by G.
Protein change: p.Gln1907Arg; replaces glutamine 1907 with arginine.
Molecular consequence: missense variant.
Genome position (GRCh38, 1-based): chr2:73,452,247, A>G. VCF-style: chr2-73452247-A-G. GRCh37 (hg19) VCF-style: chr2-73679374-A-G.
Other names: c.5723A>G, p.Gln1908Arg (NM_015120.4); short protein forms Q1908R, Q1907R.
Identifiers: ClinVar variation 1749293 (VCV001749293.4), dbSNP rs1163605126, ClinGen allele CA347283090.